The following is an entry in ClinVar:

ClinVar aggregate classification (germline): Uncertain significance (1 of 4 stars; one submission).

Allele frequency attached by ClinVar (database versions not stated): gnomAD exomes below 0.00001.
gnomAD v4.1: 2 of 1,614,072 alleles (0.00012%); highest among the groups gnomAD compares: South Asian, 0.0022%; no homozygotes.

Submission:

Labcorp Genetics (formerly Invitae), Labcorp
Classification: Uncertain significance. Last evaluated: 2022-04-12. Review status: criteria provided, single submitter. Criteria: Invitae Variant Classification Sherloc (09022015). Collection method: clinical testing. Allele origin: germline.
Comment: In summary, the available evidence is currently insufficient to determine the role of this variant in disease. Therefore, it has been classified as a Variant of Uncertain Significance. Algorithms developed to predict the effect of missense changes on protein structure and function output the following: SIFT: "Tolerated"; PolyPhen-2: "Benign"; Align-GVGD: "Class C0". The threonine amino acid residue is found in multiple mammalian species, which suggests that this missense change does not adversely affect protein function. This variant has not been reported in the literature in individuals affected with ERCC6-related conditions. This variant is not present in population databases (gnomAD no frequency). This sequence change replaces proline, which is neutral and non-polar, with threonine, which is neutral and polar, at codon 354 of the ERCC6 protein (p.Pro354Thr).

NM_000124.4(ERCC6):c.1060C>A (p.Pro354Thr)

Gene: ERCC6 (ERCC excision repair 6, chromatin remodeling factor; minus strand). Cytogenetic location: 10q11.23.
Variant type: single nucleotide variant.
Coding change: c.1060C>A on transcript NM_000124.4 (MANE Select); coding-DNA position 1060, C replaced by A.
Protein change: p.Pro354Thr; replaces proline 354 with threonine.
Molecular consequence: missense variant.
Genome position (GRCh38, 1-based): chr10:49,524,370, G>T on the plus strand (C>A on the coding strand, the complement: ERCC6 is on the minus strand). VCF-style: chr10-49524370-G-T. GRCh37 (hg19) VCF-style: chr10-50732416-G-T.
Other names: c.1060C>A, p.Pro354Thr (NM_001277058.2, NM_001277059.2, NM_001346440.2); short protein forms P354T.
Identifiers: ClinVar variation 1959254 (VCV001959254.5), dbSNP rs2496139938, ClinGen allele CA376753171.